The following is an entry in ClinVar:

ClinVar aggregate classification (germline): Likely benign. Review status: criteria provided, multiple submitters, no conflicts (2 of 4 stars). 3 submissions from 3 submitters: Likely benign (3). Last evaluated 2024-01-08.

Conditions:
Long QT syndrome (LQTS). Identifiers: MedGen C0023976, MeSH D008133, MONDO:0002442. Disease mechanism: loss of function. Inheritance: Various modes of inheritance.

gnomAD v4.1: 1 of 1,611,896 alleles (0.000062%); highest among the groups gnomAD compares: Non-Finnish European, 0.000085%; no homozygotes.

Submissions (3):

All of Us Research Program, National Institutes of Health
Classification: Likely benign for Long QT syndrome. Last evaluated: 2024-01-08. Review status: criteria provided, single submitter. Criteria: ACMG Guidelines, 2015. Collection method: clinical testing. Allele origin: germline. Inheritance: Autosomal dominant inheritance. Observed: 2 variant alleles, 2 heterozygotes.
Comment: This study involves interpretation of variants in research participants for the purpose of population health screening. Participant phenotype was not available at the time of variant classification. Additional details can be found in publication PMID: 35346344, PMCID: PMC8962531

Blueprint Genetics
Classification: Likely benign. Last evaluated: 2022-11-16. Review status: criteria provided, single submitter. Criteria: ACMG Guidelines, 2015. Collection method: clinical testing. Allele origin: germline.

Labcorp Genetics (formerly Invitae), Labcorp
Classification: Likely benign for Long QT syndrome. Last evaluated: 2022-03-23. Review status: criteria provided, single submitter. Criteria: Invitae Variant Classification Sherloc (09022015). Collection method: clinical testing. Allele origin: germline.

NM_000218.3(KCNQ1):c.1026C>A (p.Leu342=)

Gene: KCNQ1 (potassium voltage-gated channel subfamily Q member 1; plus strand). Cytogenetic location: 11p15.5.
Variant type: single nucleotide variant.
Coding change: c.1026C>A on transcript NM_000218.3 (MANE Select); coding-DNA position 1026, C replaced by A.
Protein change: p.Leu342=; no amino-acid change (leucine 342 retained).
Molecular consequence: synonymous variant.
Genome position (GRCh38, 1-based): chr11:2,583,539, C>A. VCF-style: chr11-2583539-C-A. GRCh37 (hg19) VCF-style: chr11-2604769-C-A.
Other names: c.1026C>A, p.Leu342= (NM_001406836.1); c.756C>A, p.Leu252= (NM_001406837.1); c.582C>A, p.Leu194= (NM_001406838.1); c.645C>A, p.Leu215= (NM_181798.2).
Identifiers: ClinVar variation 1157510 (VCV001157510.12), dbSNP rs1848537794, ClinGen allele CA472038455.